The following is an entry in ClinVar:

NM_002599.5(PDE2A):c.15C>A (p.Cys5Ter)

Gene: PDE2A (phosphodiesterase 2A; minus strand). Cytogenetic location: 11q13.4.
Variant type: single nucleotide variant.
Coding change: c.15C>A on transcript NM_002599.5 (MANE Select); coding-DNA position 15, C replaced by A.
Protein change: p.Cys5Ter; replaces cysteine 5 with a stop codon.
Molecular consequence: nonsense.
Genome position (GRCh38, 1-based): chr11:72,674,193, G>T on the plus strand (C>A on the coding strand, the complement: PDE2A is on the minus strand). VCF-style: chr11-72674193-G-T. GRCh37 (hg19) VCF-style: chr11-72385237-G-T.
Other names: short protein forms C5*.
Identifiers: ClinVar variation 2010700 (VCV002010700.4), dbSNP rs531133209, ClinGen allele CA381758331.

ClinVar aggregate classification (germline): Uncertain significance (1 of 4 stars; one submission).

Submission:

Labcorp Genetics (formerly Invitae), Labcorp
Classification: Uncertain significance. Last evaluated: 2022-07-24. Review status: criteria provided, single submitter. Criteria: Invitae Variant Classification Sherloc (09022015). Collection method: clinical testing. Allele origin: germline.
Comment: This sequence change creates a premature translational stop signal (p.Cys5*) in the PDE2A gene. It is expected to result in an absent or disrupted protein product. However, the current clinical and genetic evidence is not sufficient to establish whether loss-of-function variants in PDE2A cause disease. This variant is not present in population databases (gnomAD no frequency). This variant has not been reported in the literature in individuals affected with PDE2A-related conditions. In summary, the available evidence is currently insufficient to determine the role of this variant in disease. Therefore, it has been classified as a Variant of Uncertain Significance.